The following is an entry in ClinVar:

ClinVar aggregate classification (germline): Uncertain significance (1 of 4 stars; one submission).

Submission:

Ambry Genetics
Classification: Uncertain significance. Last evaluated: 2024-06-22. Review status: criteria provided, single submitter. Criteria: Ambry Variant Classification Scheme 2023. Collection method: clinical testing. Allele origin: germline.
Comment: The p.S1058R variant (also known as c.3172A>C), located in coding exon 17 of the PALLD gene, results from an A to C substitution at nucleotide position 3172. The serine at codon 1058 is replaced by arginine, an amino acid with dissimilar properties. This amino acid position is conserved. In addition, this alteration is predicted to be deleterious by in silico analysis. Since supporting evidence is limited at this time, the clinical significance of this alteration remains unclear.

NM_001166108.2(PALLD):c.3223A>C (p.Ser1075Arg)

Genes: CBR4 (carbonyl reductase 4; minus strand), PALLD (palladin, cytoskeletal associated protein; plus strand). Cytogenetic location: 4q32.3.
Variant type: single nucleotide variant.
Coding change: c.3223A>C on transcript NM_001166108.2 (MANE Select); coding-DNA position 3223, A replaced by C.
Protein change: p.Ser1075Arg; replaces serine 1075 with arginine.
Molecular consequence: missense variant.
Genome position (GRCh38, 1-based): chr4:168,924,419, A>C. VCF-style: chr4-168924419-A-C. GRCh37 (hg19) VCF-style: chr4-169845570-A-C.
Other names: c.1102A>C, p.Ser368Arg (NM_001367568.1, NM_001367570.1); c.1051A>C, p.Ser351Arg (NM_001367569.1, NM_001367567.1); c.1711A>C, p.Ser571Arg (NM_001166110.2); c.2026A>C, p.Ser676Arg (NM_001166109.2); c.3172A>C, p.Ser1058Arg (NM_016081.4); short protein forms S1075R, S571R, S1058R, S351R, S368R, S676R.
Identifiers: ClinVar variation 1728446 (VCV001728446.3), dbSNP rs1762176571, ClinGen allele CA358713137.